The following is an entry in ClinVar:

NM_014588.6(VSX1):c.475T>A (p.Leu159Met)

Gene: VSX1 (visual system homeobox 1; minus strand). Cytogenetic location: 20p11.21.
Variant type: single nucleotide variant.
Coding change: c.475T>A on transcript NM_014588.6 (MANE Select); coding-DNA position 475, T replaced by A.
Protein change: p.Leu159Met; replaces leucine 159 with methionine.
Molecular consequence: missense variant. On other transcripts: non-coding transcript variant (3).
Genome position (GRCh38, 1-based): chr20:25,079,464, A>T on the plus strand (T>A on the coding strand, the complement: VSX1 is on the minus strand). VCF-style: chr20-25079464-A-T. GRCh37 (hg19) VCF-style: chr20-25060100-A-T.
Other names: c.475T>A, p.Leu159Met (NM_001256271.2, NM_001256272.2, NM_199425.3); short protein forms L159M.
Identifiers: ClinVar variation 5249 (VCV000005249.5), dbSNP rs74315434, ClinGen allele CA117357.

ClinVar aggregate classification (germline): Likely benign. Review status: criteria provided, single submitter (1 of 4 stars). 2 submissions from 2 submitters: Likely benign (1). 1 of the submissions does not count toward it. Last evaluated 2017-04-27.

Conditions:
Posterior polymorphous corneal dystrophy. Also called: Polymorphous corneal dystrophy; CORNEAL DYSTROPHY, HEREDITARY POLYMORPHOUS POSTERIOR. Identifiers: Orphanet 98973, MedGen C0339284, MONDO:0020364, HP:0007915.
Keratoconus 1 (KTCN1). Identifiers: MedGen C1835677, MONDO:0007851, OMIM 148300.

Allele frequency attached by ClinVar (database versions not stated): TOPMed 0.00003; gnomAD 0.00006; ExAC 0.00003.
gnomAD v4.1: 142 of 1,612,832 alleles (0.0088%); highest among the groups gnomAD compares: Non-Finnish European, 0.012%; no homozygotes.

Submissions (2):

Illumina Laboratory Services, Illumina
Classification: Likely benign for Polymorphous corneal dystrophy. Last evaluated: 2017-04-27. Review status: criteria provided, single submitter. Criteria: ICSL Variant Classification Criteria 13 December 2019. Collection method: clinical testing. Allele origin: germline.
Comment: This variant was observed as part of a predisposition screen in an ostensibly healthy population. A literature search was performed for the gene, cDNA change, and amino acid change (where applicable). No publications were found based on this search. Allele frequency data from public databases allowed determination this variant is unlikely to cause disease. Therefore, this variant is classified as likely benign.

OMIM
Classification: Uncertain significance for RECLASSIFIED - VARIANT OF UNKNOWN SIGNIFICANCE. Last evaluated: 2011-01-01. Review status: no assertion criteria provided. Collection method: literature only. Allele origin: germline. Not counted in ClinVar's aggregate classification.

Literature cited by the submitters: PubMed 18216574 (cited by OMIM); PubMed 21976959 (cited by OMIM); PubMed 11978762 (cited by OMIM).